The following is an entry in ClinVar:

NM_001037131.3(AGAP1):c.2099C>T (p.Ser700Leu)

Gene: AGAP1 (ArfGAP with GTPase domain, ankyrin repeat and PH domain 1; plus strand). Cytogenetic location: 2q37.2.
Variant type: single nucleotide variant.
Coding change: c.2099C>T on transcript NM_001037131.3 (MANE Select); coding-DNA position 2099, C replaced by T.
Protein change: p.Ser700Leu; replaces serine 700 with leucine.
Molecular consequence: missense variant.
Genome position (GRCh38, 1-based): chr2:236,049,266, C>T. VCF-style: chr2-236049266-C-T. GRCh37 (hg19) VCF-style: chr2-236957910-C-T.
Other names: c.1940C>T, p.Ser647Leu (NM_014914.5); short protein forms S647L, S700L.
Identifiers: ClinVar variation 1972612 (VCV001972612.7), dbSNP rs778729453, ClinGen allele CA2185132.
Genomic context (GRCh38, chr2:236,049,266, plus strand): 5'-TCGGGAACGAGCTAGCCAACAGCGTCTGGGAAGAGAGCAGCCAGGGGCGGACGAAACCAT[C>T]GGTAGACTCCACAAGGTAGGAACTTTGGAAGATGCCTGGCTCCCGACACGTTTGCCAACA-3'
Protein context (NP_001032208.1, residues 690-710): EESSQGRTKP[Ser700Leu]VDSTREEKER

ClinVar aggregate classification (germline): Uncertain significance. Review status: criteria provided, multiple submitters, no conflicts (2 of 4 stars). 2 submissions from 2 submitters: Uncertain significance (2). Last evaluated 2025-07-21.

Allele frequency attached by ClinVar (database versions not stated): gnomAD 0.00001; ExAC 0.00002; TOPMed 0.00004; gnomAD exomes 0.00002.
gnomAD v4.1: 25 of 1,613,914 alleles (0.0015%); highest among the groups gnomAD compares: African/African-American, 0.0067%; no homozygotes.

Submissions (2):

Ambry Genetics
Classification: Uncertain significance. Last evaluated: 2025-07-21. Review status: criteria provided, single submitter. Criteria: Ambry Variant Classification Scheme 2023. Collection method: clinical testing. Allele origin: germline.

Labcorp Genetics (formerly Invitae), Labcorp
Classification: Uncertain significance. Last evaluated: 2025-03-17. Review status: criteria provided, single submitter. Criteria: Invitae Variant Classification Sherloc (09022015). Collection method: clinical testing. Allele origin: germline.
Comment: This sequence change replaces serine, which is neutral and polar, with leucine, which is neutral and non-polar, at codon 647 of the AGAP1 protein (p.Ser647Leu). This variant is present in population databases (rs778729453, gnomAD 0.01%). This missense change has been observed in individual(s) with AGAP1-related conditions (PMID: 33057194, 35982159). ClinVar contains an entry for this variant (Variation ID: 1972612). An algorithm developed to predict the effect of missense changes on protein structure and function (PolyPhen-2) suggests that this variant is likely to be tolerated. In summary, the available evidence is currently insufficient to determine the role of this variant in disease. Therefore, it has been classified as a Variant of Uncertain Significance.

Literature cited by the submitters: PubMed 33057194 (cited by Labcorp Genetics (formerly Invitae), Labcorp); PubMed 35982159 (cited by Labcorp Genetics (formerly Invitae), Labcorp).